The following is an entry in ClinVar:

ClinVar aggregate classification (germline): Uncertain significance. Review status: criteria provided, multiple submitters, no conflicts (2 of 4 stars). 4 submissions from 4 submitters: Uncertain significance (4). Last evaluated 2025-06-25.

Conditions:
Sulfite oxidase deficiency due to molybdenum cofactor deficiency type B1 (MOCODB1). Also called: Molybdenum cofactor deficiency, complementation group B; MOLYBDENUM COFACTOR DEFICIENCY, TYPE B1; Molybdenum cofactor deficiency B; Sulfite oxidase deficiency due to molybdenum cofactor deficiency type B. Identifiers: Orphanet 308393, Orphanet 833, MedGen C6065887, MONDO:0009644, OMIM 252160.
Inborn genetic diseases. Identifiers: MedGen C0950123, MeSH D030342.

Allele frequency attached by ClinVar (database versions not stated): gnomAD exomes below 0.00001; TOPMed 0.00001.

Submissions (4):

Mayo Clinic Laboratories, Mayo Clinic
Classification: Uncertain significance. Last evaluated: 2025-06-25. Review status: criteria provided, single submitter. Criteria: ACMG Guidelines, 2015. Collection method: clinical testing. Allele origin: germline. Observed: 1 variant allele.
Comment: BP4, BP7

Labcorp Genetics (formerly Invitae), Labcorp
Classification: Uncertain significance. Last evaluated: 2024-02-26. Review status: criteria provided, single submitter. Criteria: Invitae Variant Classification Sherloc (09022015). Collection method: clinical testing. Allele origin: germline.
Comment: The MOCS2 gene encodes two different proteins which are translated from alternative transcripts, MOCS2A and MOCS2B, that have different open reading frames. This variant occurs in MOCS2A, and also corresponds to c.6G>A (Silent) in MOCS2B. This sequence change replaces glutamic acid, which is acidic and polar, with lysine, which is basic and polar, at codon 65 of the MOCS2A protein (p.Glu65Lys). This variant is present in population databases (no rsID available, gnomAD 0.008%). This variant has not been reported in the literature in individuals affected with MOCS2A-related conditions. ClinVar contains an entry for this variant (Variation ID: 1416031). An algorithm developed to predict the effect of missense changes on protein structure and function (PolyPhen-2) suggests that this variant is likely to be tolerated. In summary, the available evidence is currently insufficient to determine the role of this variant in disease. Therefore, it has been classified as a Variant of Uncertain Significance. Please note, this variant is also classified as Likely Benign in MOCS2B.

Fulgent Genetics
Classification: Uncertain significance for Sulfite oxidase deficiency due to molybdenum cofactor deficiency type B1. Last evaluated: 2024-01-12. Review status: criteria provided, single submitter. Criteria: ACMG Guidelines, 2015. Collection method: clinical testing. Allele origin: germline.

Ambry Genetics
Classification: Uncertain significance for Inborn genetic diseases. Last evaluated: 2023-02-01. Review status: criteria provided, single submitter. Criteria: Ambry Variant Classification Scheme 2023. Collection method: clinical testing. Allele origin: germline.

NM_004531.5(MOCS2):c.6G>A (p.Ser2=)

Gene: MOCS2 (molybdenum cofactor synthesis 2; minus strand). Cytogenetic location: 5q11.2.
Variant type: single nucleotide variant.
Coding change: c.6G>A on transcript NM_004531.5 (MANE Select); coding-DNA position 6, G replaced by A.
Protein change: p.Ser2=; no amino-acid change (serine 2 retained).
Molecular consequence: synonymous variant. On other transcripts: missense variant (1).
Genome position (GRCh38, 1-based): chr5:53,107,169, C>T on the plus strand (G>A on the coding strand, the complement: MOCS2 is on the minus strand). VCF-style: chr5-53107169-C-T. GRCh37 (hg19) VCF-style: chr5-52402999-C-T.
Other names: p.Glu65Lys; c.193G>A, p.Glu65Lys (NM_176806.4); c.193G>A (NM_176806.2); short protein forms E65K.
Identifiers: ClinVar variation 1416031 (VCV001416031.8), dbSNP rs1300378829, ClinGen allele CA359693851.